The following is an entry in ClinVar:

ClinVar aggregate classification (germline): Likely benign (1 of 4 stars; one submission).

Conditions:
HIVEP3-related disorder. Also called: HIVEP3-related condition.

gnomAD v4.1: 30 of 1,613,980 alleles (0.0019%); highest among the groups gnomAD compares: Admixed American, 0.0067%; no homozygotes.

Submission:

PreventionGenetics, part of Exact Sciences
Classification: Likely benign for HIVEP3-related condition. Last evaluated: 2026-02-07. Review status: criteria provided, single submitter. Criteria: ACMG Guidelines, 2015. Collection method: clinical testing. Allele origin: germline.
Comment: This variant is classified as likely benign based on ACMG/AMP sequence variant interpretation guidelines (Richards et al. 2015 PMID: 25741868, with internal and published modifications).

NM_024503.5(HIVEP3):c.768C>T (p.Gly256=)

Gene: HIVEP3 (HIVEP zinc finger 3; minus strand). Cytogenetic location: 1p34.2.
Variant type: single nucleotide variant.
Coding change: c.768C>T on transcript NM_024503.5 (MANE Select); coding-DNA position 768, C replaced by T.
Protein change: p.Gly256=; no amino-acid change (glycine 256 retained).
Molecular consequence: synonymous variant.
Genome position (GRCh38, 1-based): chr1:41,584,030, G>A on the plus strand (C>T on the coding strand, the complement: HIVEP3 is on the minus strand). VCF-style: chr1-41584030-G-A. GRCh37 (hg19) VCF-style: chr1-42049701-G-A.
Other names: c.768C>T, p.Gly256= (NM_001127714.3).
Identifiers: ClinVar variation 4977098 (VCV004977098.1).